The following is an entry in ClinVar:

NM_002335.4(LRP5):c.1594G>C (p.Val532Leu)

Gene: LRP5 (LDL receptor related protein 5; plus strand). Cytogenetic location: 11q13.2.
Variant type: single nucleotide variant.
Coding change: c.1594G>C on transcript NM_002335.4 (MANE Select); coding-DNA position 1594, G replaced by C.
Protein change: p.Val532Leu; replaces valine 532 with leucine.
Molecular consequence: missense variant. On other transcripts: 5 prime UTR variant (1).
Genome position (GRCh38, 1-based): chr11:68,403,492, G>C. VCF-style: chr11-68403492-G-C. GRCh37 (hg19) VCF-style: chr11-68170960-G-C.
Other names: c.-344G>C (NM_001291902.2); c.1594G>C (NM_002335.2); short protein forms V532L.
Identifiers: ClinVar variation 498295 (VCV000498295.15), dbSNP rs1554969579, ClinGen allele CA381614106.
Genomic context (GRCh38, chr11:68,403,492, plus strand): 5'-TCGTTGGTGTGGCCCTGGCCCATCCAGACCTATATTTCTGCCGTCCTGCAGGTGATCAAT[G>C]TTGATGGGACGAAGAGGCGGACCCTCCTGGAGGACAAGCTCCCGCACATTTTTGGGTTCA-3'
Protein context (NP_002326.2, residues 522-542): AKTDKIEVIN[Val532Leu]DGTKRRTLLE

ClinVar aggregate classification (germline): Uncertain significance. Review status: criteria provided, multiple submitters, no conflicts (2 of 4 stars). 4 submissions from 4 submitters: Uncertain significance (4). Last evaluated 2025-02-27.

Conditions:
Bone mineral density quantitative trait locus 1 (BMND1). Identifiers: MedGen C1866079, OMIM 601884.
Exudative vitreoretinopathy 4 (EVR4). Identifiers: Orphanet 891, MedGen C1866176, MONDO:0011151, OMIM 601813.
Osteoporosis. Identifiers: MedGen C0029456, MONDO:0005298, OMIM 166710, HP:0000939.
Worth disease. Also called: Autosomal dominant osteosclerosis, Worth type; ENDOSTEAL HYPEROSTOSIS, AUTOSOMAL DOMINANT; OSTEOSCLEROSIS, AUTOSOMAL DOMINANT. Identifiers: Orphanet 2790, MedGen C0432273, MONDO:0007764, OMIM 144750.
Exudative vitreoretinopathy 1 (EVR1). Also called: FEVR, AUTOSOMAL DOMINANT; Familial exudative vitreoretinopathy, autosomal dominant; CRISWICK-SCHEPENS SYNDROME. Identifiers: Orphanet 891, Orphanet 90050, MedGen C1851402, MONDO:0007589, OMIM 133780.
Autosomal dominant osteopetrosis 1 (OPTA1). Also called: OSTEOPETROSIS, AUTOSOMAL DOMINANT, TYPE I. Identifiers: Orphanet 2783, MedGen C1843330, MONDO:0011877, OMIM 607634.
Polycystic liver disease 4 with or without kidney cysts. Identifiers: MedGen C4693479, MONDO:0044327, OMIM 617875.
Osteoporosis with pseudoglioma (OPPG). Also called: osteoporosis-pseudoglioma syndrome. Identifiers: Orphanet 2788, MedGen C0432252, MONDO:0009820, OMIM 259770.
Inborn genetic diseases. Identifiers: MedGen C0950123, MeSH D030342.

Allele frequency attached by ClinVar (database versions not stated): gnomAD exomes below 0.00001; TOPMed below 0.00001.
gnomAD v4.1: 6 of 1,614,128 alleles (0.00037%); highest among the groups gnomAD compares: African/African-American, 0.0053%; no homozygotes.

Submissions (4):

Ambry Genetics
Classification: Uncertain significance for Inborn genetic diseases. Last evaluated: 2025-02-27. Review status: criteria provided, single submitter. Criteria: Ambry Variant Classification Scheme 2023. Collection method: clinical testing. Allele origin: germline.

Labcorp Genetics (formerly Invitae), Labcorp
Classification: Uncertain significance. Last evaluated: 2025-01-15. Review status: criteria provided, single submitter. Criteria: Invitae Variant Classification Sherloc (09022015). Collection method: clinical testing. Allele origin: germline.
Comment: This sequence change replaces valine, which is neutral and non-polar, with leucine, which is neutral and non-polar, at codon 532 of the LRP5 protein (p.Val532Leu). This variant is not present in population databases (gnomAD no frequency). This variant has not been reported in the literature in individuals affected with LRP5-related conditions. ClinVar contains an entry for this variant (Variation ID: 498295). Invitae Evidence Modeling of protein sequence and biophysical properties (such as structural, functional, and spatial information, amino acid conservation, physicochemical variation, residue mobility, and thermodynamic stability) indicates that this missense variant is not expected to disrupt LRP5 protein function with a negative predictive value of 95%. In summary, the available evidence is currently insufficient to determine the role of this variant in disease. Therefore, it has been classified as a Variant of Uncertain Significance.

Fulgent Genetics
Classification: Uncertain significance for Exudative vitreoretinopathy 1; Worth disease; Osteoporosis; Osteoporosis with pseudoglioma; Exudative vitreoretinopathy 4; Bone mineral density quantitative trait locus 1; Autosomal dominant osteopetrosis 1; Polycystic liver disease 4 with or without kidney cysts. Last evaluated: 2021-11-18. Review status: criteria provided, single submitter. Criteria: ACMG Guidelines, 2015. Collection method: clinical testing. Allele origin: unknown.

Eurofins Ntd Llc (ga)
Classification: Uncertain significance. Last evaluated: 2016-11-21. Review status: criteria provided, single submitter. Criteria: EGL Classification Definitions 2015. Collection method: clinical testing. Allele origin: germline. Observed: 1 variant allele, 1 heterozygote.